The following is an entry in ClinVar:

NM_001046.3(SLC12A2):c.3470A>C (p.Lys1157Thr)

Gene: SLC12A2 (solute carrier family 12 member 2; plus strand). Cytogenetic location: 5q23.3.
Variant type: single nucleotide variant.
Coding change: c.3470A>C on transcript NM_001046.3 (MANE Select); coding-DNA position 3470, A replaced by C.
Protein change: p.Lys1157Thr; replaces lysine 1157 with threonine.
Molecular consequence: missense variant. On other transcripts: non-coding transcript variant (1).
Genome position (GRCh38, 1-based): chr5:128,184,823, A>C. VCF-style: chr5-128184823-A-C. GRCh37 (hg19) VCF-style: chr5-127520515-A-C.
Other names: c.3422A>C, p.Lys1141Thr (NM_001256461.2); short protein forms K1157T, K1141T.
Identifiers: ClinVar variation 2015548 (VCV002015548.4), dbSNP rs771844174, ClinGen allele CA360741901.

ClinVar aggregate classification (germline): Uncertain significance (1 of 4 stars; one submission).

Submission:

Labcorp Genetics (formerly Invitae), Labcorp
Classification: Uncertain significance. Last evaluated: 2024-01-24. Review status: criteria provided, single submitter. Criteria: Invitae Variant Classification Sherloc (09022015). Collection method: clinical testing. Allele origin: germline.
Comment: This sequence change replaces lysine, which is basic and polar, with threonine, which is neutral and polar, at codon 1157 of the SLC12A2 protein (p.Lys1157Thr). This variant is not present in population databases (gnomAD no frequency). This variant has not been reported in the literature in individuals affected with SLC12A2-related conditions. ClinVar contains an entry for this variant (Variation ID: 2015548). Advanced modeling of protein sequence and biophysical properties (such as structural, functional, and spatial information, amino acid conservation, physicochemical variation, residue mobility, and thermodynamic stability) performed at Invitae indicates that this missense variant is not expected to disrupt SLC12A2 protein function with a negative predictive value of 80%. In summary, the available evidence is currently insufficient to determine the role of this variant in disease. Therefore, it has been classified as a Variant of Uncertain Significance.